The following is an entry in ClinVar:

NM_017780.4(CHD7):c.2615T>C (p.Ile872Thr)

Gene: CHD7 (chromodomain helicase DNA binding protein 7; plus strand). Cytogenetic location: 8q12.2.
Variant type: single nucleotide variant.
Coding change: c.2615T>C on transcript NM_017780.4 (MANE Select); coding-DNA position 2615, T replaced by C.
Protein change: p.Ile872Thr; replaces isoleucine 872 with threonine.
Molecular consequence: missense variant. On other transcripts: intron variant (1).
Genome position (GRCh38, 1-based): chr8:60,820,008, T>C. VCF-style: chr8-60820008-T-C. GRCh37 (hg19) VCF-style: chr8-61732567-T-C.
Other names: c.1716+38958T>C (NM_001316690.1); short protein forms I872T.
Identifiers: ClinVar variation 1899993 (VCV001899993.5), dbSNP rs751181139, ClinGen allele CA4759780.
Genomic context (GRCh38, chr8:60,820,008, plus strand): 5'-TAGTATTTCATCTTAGGAAATAAGTAAACCTTTAACTTTTTTTTTTCCCTTTGGTGTAGA[T>C]TGAGGATGAGCTTTTTAATCCAGATTATGTGGAGGTTGACCGGATAATGGACTTTGCACG-3'
Protein context (NP_060250.2, residues 862-882): KQGQNKFLSE[Ile872Thr]EDELFNPDYV

ClinVar aggregate classification (germline): Uncertain significance (1 of 4 stars; one submission).

Conditions:
CHARGE syndrome (CHARGE). Also called: Hittner Hirsch Kreh syndrome; CHARGE ASSOCIATION--COLOBOMA, HEART ANOMALY, CHOANAL ATRESIA, RETARDATION, GENITAL AND EAR ANOMALIES; Coloboma, heart anomaly, choanal atresia, retardation, genital and ear anomalies; CHARGE association; Hall-Hittner syndrome. Identifiers: Orphanet 138, MedGen C0265354, MONDO:0008965.

Allele frequency attached by ClinVar (database versions not stated): gnomAD exomes 0.00001; TOPMed 0.00001; ExAC 0.00007.

Submission:

Labcorp Genetics (formerly Invitae), Labcorp
Classification: Uncertain significance for CHARGE syndrome. Last evaluated: 2025-06-22. Review status: criteria provided, single submitter. Criteria: Invitae Variant Classification Sherloc (09022015). Collection method: clinical testing. Allele origin: germline.
Comment: This sequence change replaces isoleucine, which is neutral and non-polar, with threonine, which is neutral and polar, at codon 872 of the CHD7 protein (p.Ile872Thr). This variant is present in population databases (rs751181139, gnomAD 0.05%). This missense change has been observed in individual(s) with clinical features of Kallman syndrome (PMID: 26141714, 37305875). ClinVar contains an entry for this variant (Variation ID: 1899993). An algorithm developed to predict the effect of missense changes on protein structure and function (PolyPhen-2) suggests that this variant is likely to be tolerated. In summary, the available evidence is currently insufficient to determine the role of this variant in disease. Therefore, it has been classified as a Variant of Uncertain Significance.

Literature cited by the submitters: PubMed 26141714; PubMed 37305875.